The following is an entry in ClinVar:

NM_003280.3(TNNC1):c.399C>G (p.Ile133Met)

Gene: TNNC1 (troponin C1, slow skeletal and cardiac type; minus strand). Cytogenetic location: 3p21.1.
Variant type: single nucleotide variant.
Coding change: c.399C>G on transcript NM_003280.3 (MANE Select); coding-DNA position 399, C replaced by G.
Protein change: p.Ile133Met; replaces isoleucine 133 with methionine.
Molecular consequence: missense variant.
Genome position (GRCh38, 1-based): chr3:52,451,446, G>C on the plus strand (C>G on the coding strand, the complement: TNNC1 is on the minus strand). VCF-style: chr3-52451446-G-C. GRCh37 (hg19) VCF-style: chr3-52485462-G-C.
Other names: short protein forms I133M.
Identifiers: ClinVar variation 4788438 (VCV004788438.1).

ClinVar aggregate classification (germline): Uncertain significance (1 of 4 stars; one submission).

Conditions:
Hypertrophic cardiomyopathy 13. Also called: TNNC1-Related Familial Hypertrophic Cardiomyopathy. Identifiers: MedGen C2750472, MONDO:0013195, OMIM 613243.
Dilated cardiomyopathy 1Z (CMD1Z). Identifiers: Orphanet 154, MedGen C2678475, MONDO:0012745, OMIM 611879.

gnomAD v4.1: 5 of 1,614,150 alleles (0.00031%); highest among the groups gnomAD compares: Non-Finnish European, 0.00042%; no homozygotes.

Submission:

Labcorp Genetics (formerly Invitae), Labcorp
Classification: Uncertain significance for Hypertrophic cardiomyopathy 13; Dilated cardiomyopathy 1Z. Last evaluated: 2025-08-26. Review status: criteria provided, single submitter. Criteria: Invitae Variant Classification Sherloc (09022015). Collection method: clinical testing. Allele origin: germline.
Comment: This sequence change replaces isoleucine, which is neutral and non-polar, with methionine, which is neutral and non-polar, at codon 133 of the TNNC1 protein (p.Ile133Met). This variant is not present in population databases (gnomAD no frequency). This variant has not been reported in the literature in individuals affected with TNNC1-related conditions. An algorithm developed to predict the effect of missense changes on protein structure and function (PolyPhen-2) suggests that this variant is likely to be disruptive. In summary, the available evidence is currently insufficient to determine the role of this variant in disease. Therefore, it has been classified as a Variant of Uncertain Significance.